The following is an entry in ClinVar:

NM_000143.4(FH):c.103T>G (p.Ser35Ala)

Gene: FH (fumarate hydratase; minus strand). Cytogenetic location: 1q43.
Variant type: single nucleotide variant.
Coding change: c.103T>G on transcript NM_000143.4 (MANE Select); coding-DNA position 103, T replaced by G.
Protein change: p.Ser35Ala; replaces serine 35 with alanine.
Molecular consequence: missense variant.
Genome position (GRCh38, 1-based): chr1:241,519,620, A>C on the plus strand (T>G on the coding strand, the complement: FH is on the minus strand). VCF-style: chr1-241519620-A-C. GRCh37 (hg19) VCF-style: chr1-241682920-A-C.
Other names: short protein forms S35A.
Identifiers: ClinVar variation 5021688 (VCV005021688.1).

ClinVar aggregate classification (germline): Uncertain significance (1 of 4 stars; one submission).

Conditions:
Hereditary cancer-predisposing syndrome. Also called: Neoplastic Syndromes, Hereditary; Tumor predisposition; Hereditary neoplastic syndrome; Hereditary Cancer Syndrome. Identifiers: Orphanet 140162, MedGen C0027672, MeSH D009386, MONDO:0015356.

Submission:

Ambry Genetics
Classification: Uncertain significance for Hereditary cancer-predisposing syndrome. Last evaluated: 2026-08-21. Review status: criteria provided, single submitter. Criteria: Ambry Variant Classification Scheme 2023. Collection method: clinical testing. Allele origin: germline.
Comment: The p.S35A variant (also known as c.103T>G), located in coding exon 1 of the FH gene, results from a T to G substitution at nucleotide position 103. The serine at codon 35 is replaced by alanine, an amino acid with similar properties. This amino acid position is conserved. In addition, this alteration is predicted to be tolerated by in silico analysis. Based on the available evidence, the clinical significance of this variant remains unclear.